The following is an entry in ClinVar:

NM_017777.4(MKS1):c.540C>T (p.Arg180=)

Gene: MKS1 (MKS transition zone complex subunit 1; minus strand). Cytogenetic location: 17q22.
Variant type: single nucleotide variant.
Coding change: c.540C>T on transcript NM_017777.4 (MANE Select); coding-DNA position 540, C replaced by T.
Protein change: p.Arg180=; no amino-acid change (arginine 180 retained).
Molecular consequence: synonymous variant. On other transcripts: 5 prime UTR variant (1).
Genome position (GRCh38, 1-based): chr17:58,214,363, G>A on the plus strand (C>T on the coding strand, the complement: MKS1 is on the minus strand). VCF-style: chr17-58214363-G-A. GRCh37 (hg19) VCF-style: chr17-56291724-G-A.
Other names: c.-70C>T (NM_001321268.2); c.540C>T, p.Arg180= (NM_001321269.2, NM_001330397.2, NM_001411113.1).
Identifiers: ClinVar variation 3356292 (VCV003356292.1).

ClinVar aggregate classification (germline): Likely benign (0 of 4 stars; one submission).

Conditions:
MKS1-related disorder. Also called: MKS1-related condition; MKS1-related disorders. Identifiers: MedGen CN239382.

Submission:

PreventionGenetics, part of Exact Sciences
Classification: Likely benign for MKS1-related condition. Last evaluated: 2023-06-22. Review status: no assertion criteria provided. Collection method: clinical testing. Allele origin: germline.
Comment: This variant is classified as likely benign based on ACMG/AMP sequence variant interpretation guidelines (Richards et al. 2015 PMID: 25741868, with internal and published modifications).